The following is an entry in ClinVar:

NM_002485.5(NBN):c.241G>T (p.Glu81Ter)

Gene: NBN (nibrin; minus strand). Cytogenetic location: 8q21.3.
Variant type: single nucleotide variant.
Coding change: c.241G>T on transcript NM_002485.5 (MANE Select); coding-DNA position 241, G replaced by T.
Protein change: p.Glu81Ter; replaces glutamic acid 81 with a stop codon.
Molecular consequence: nonsense. On other transcripts: 5 prime UTR variant (1).
Genome position (GRCh38, 1-based): chr8:89,981,454, C>A on the plus strand (G>T on the coding strand, the complement: NBN is on the minus strand). VCF-style: chr8-89981454-C-A. GRCh37 (hg19) VCF-style: chr8-90993682-C-A.
Other names: c.-6G>T (NM_001024688.3); short protein forms E81*.
Identifiers: ClinVar variation 641301 (VCV000641301.6), dbSNP rs1064795037, ClinGen allele CA371662498.

ClinVar aggregate classification (germline): Pathogenic (1 of 4 stars; one submission).

Conditions:
Microcephaly, normal intelligence and immunodeficiency (NBS). Also called: IMMUNODEFICIENCY, MICROCEPHALY, AND CHROMOSOMAL INSTABILITY; Immunodeficiency, microcephaly with normal intelligence; SEEMANOVA SYNDROME II; Ataxia telangiectasia variant V1; Microcephaly with normal intelligence immunodeficiency and lymphoreticular malignancies; Nonsyndromal microcephaly autosomal recessive with normal intelligence. Identifiers: Orphanet 647, MedGen C0398791, MONDO:0009623, OMIM 251260.

Submission:

Labcorp Genetics (formerly Invitae), Labcorp
Classification: Pathogenic for Microcephaly, normal intelligence and immunodeficiency. Last evaluated: 2021-12-08. Review status: criteria provided, single submitter. Criteria: Invitae Variant Classification Sherloc (09022015). Collection method: clinical testing. Allele origin: germline.
Comment: For these reasons, this variant has been classified as Pathogenic. ClinVar contains an entry for this variant (Variation ID: 641301). This variant has not been reported in the literature in individuals affected with NBN-related conditions. This variant is not present in population databases (gnomAD no frequency). This sequence change creates a premature translational stop signal (p.Glu81*) in the NBN gene. It is expected to result in an absent or disrupted protein product. Loss-of-function variants in NBN are known to be pathogenic (PMID: 9590180, 16415040).

Literature cited by the submitters: PubMed 9590180; PubMed 16415040.